The following is an entry in ClinVar:

NM_144573.4(NEXN):c.683T>C (p.Val228Ala)

Gene: NEXN (nexilin F-actin binding protein; plus strand). Cytogenetic location: 1p31.1.
Variant type: single nucleotide variant.
Coding change: c.683T>C on transcript NM_144573.4 (MANE Select); coding-DNA position 683, T replaced by C.
Protein change: p.Val228Ala; replaces valine 228 with alanine.
Molecular consequence: missense variant.
Genome position (GRCh38, 1-based): chr1:77,926,607, T>C. VCF-style: chr1-77926607-T-C. GRCh37 (hg19) VCF-style: chr1-78392292-T-C.
Other names: c.491T>C, p.Val164Ala (NM_001172309.2); short protein forms V228A, V164A.
Identifiers: ClinVar variation 4985522 (VCV004985522.1).

ClinVar aggregate classification (germline): Uncertain significance (1 of 4 stars; one submission).

Conditions:
NEXN-related disorder. Also called: NEXN-related condition; NEXN-related disorders.

gnomAD v4.1: 2 of 1,613,760 alleles (0.00012%); highest among the groups gnomAD compares: Non-Finnish European, 0.00017%; no homozygotes.

Submission:

PreventionGenetics, part of Exact Sciences
Classification: Uncertain significance for NEXN-related condition. Last evaluated: 2026-01-12. Review status: criteria provided, single submitter. Criteria: ACMG Guidelines, 2015. Collection method: clinical testing. Allele origin: germline.
Comment: The NEXN c.683T>C variant is predicted to result in the amino acid substitution p.Val228Ala. To our knowledge, this variant has not been reported in the literature or in a large population database (gnomAD), indicating this variant is rare. At this time, the clinical significance of this variant is uncertain due to the absence of conclusive functional and genetic evidence.